The following is an entry in ClinVar:

NM_022455.5(NSD1):c.3864T>G (p.Tyr1288Ter)

Gene: NSD1 (nuclear receptor binding SET domain protein 1; plus strand). Cytogenetic location: 5q35.3.
Variant type: single nucleotide variant.
Coding change: c.3864T>G on transcript NM_022455.5 (MANE Select); coding-DNA position 3864, T replaced by G.
Protein change: p.Tyr1288Ter; replaces tyrosine 1288 with a stop codon.
Molecular consequence: nonsense.
Genome position (GRCh38, 1-based): chr5:177,235,888, T>G. VCF-style: chr5-177235888-T-G. GRCh37 (hg19) VCF-style: chr5-176662889-T-G.
Other names: c.2991T>G, p.Tyr997Ter (NM_001365684.2, NM_001409306.1, NM_001409307.1 and 3 more transcripts); c.3864T>G, p.Tyr1288Ter (NM_001409301.1, NM_001409302.1, NM_001409303.1); c.3444T>G, p.Tyr1148Ter (NM_001409304.1); c.3111T>G, p.Tyr1037Ter (NM_001409305.1); short protein forms Y1037*, Y1148*, Y1288*, Y997*.
Identifiers: ClinVar variation 3669040 (VCV003669040.2).

ClinVar aggregate classification (germline): Pathogenic (1 of 4 stars; one submission).

Submission:

Labcorp Genetics (formerly Invitae), Labcorp
Classification: Pathogenic. Last evaluated: 2023-06-08. Review status: criteria provided, single submitter. Criteria: Invitae Variant Classification Sherloc (09022015). Collection method: clinical testing. Allele origin: germline.
Comment: This variant is not present in population databases (gnomAD no frequency). This sequence change creates a premature translational stop signal (p.Tyr1288*) in the NSD1 gene. It is expected to result in an absent or disrupted protein product. Loss-of-function variants in NSD1 are known to be pathogenic (PMID: 12464997, 14571271, 15942875, 16247291). This variant has not been reported in the literature in individuals affected with NSD1-related conditions. For these reasons, this variant has been classified as Pathogenic.

Literature cited by the submitters: PubMed 12464997; PubMed 14571271; PubMed 15942875; PubMed 16247291.